The following is an entry in ClinVar:

ClinVar aggregate classification (germline): Uncertain significance (1 of 4 stars; one submission).

Conditions:
Hereditary cancer-predisposing syndrome. Also called: Hereditary neoplastic syndrome; Tumor predisposition; Hereditary Cancer Syndrome; Neoplastic Syndromes, Hereditary. Identifiers: Orphanet 140162, MedGen C0027672, MeSH D009386, MONDO:0015356.

Submission:

Ambry Genetics
Classification: Uncertain significance for Hereditary cancer-predisposing syndrome. Last evaluated: 2023-07-18. Review status: criteria provided, single submitter. Criteria: Ambry Variant Classification Scheme 2023. Collection method: clinical testing. Allele origin: germline.
Comment: The p.N56K variant (also known as c.168C>G), located in coding exon 2 of the NBN gene, results from a C to G substitution at nucleotide position 168. The asparagine at codon 56 is replaced by lysine, an amino acid with similar properties. This amino acid position is not well conserved in available vertebrate species. In addition, this alteration is predicted to be tolerated by in silico analysis. Since supporting evidence is limited at this time, the clinical significance of this alteration remains unclear.

NM_002485.5(NBN):c.168C>G (p.Asn56Lys)

Gene: NBN (nibrin; minus strand). Cytogenetic location: 8q21.3.
Variant type: single nucleotide variant.
Coding change: c.168C>G on transcript NM_002485.5 (MANE Select); coding-DNA position 168, C replaced by G.
Protein change: p.Asn56Lys; replaces asparagine 56 with lysine.
Molecular consequence: missense variant. On other transcripts: 5 prime UTR variant (1).
Genome position (GRCh38, 1-based): chr8:89,982,725, G>C on the plus strand (C>G on the coding strand, the complement: NBN is on the minus strand). VCF-style: chr8-89982725-G-C. GRCh37 (hg19) VCF-style: chr8-90994953-G-C.
Other names: c.-129C>G (NM_001024688.3); short protein forms N56K.
Identifiers: ClinVar variation 2586808 (VCV002586808.2), dbSNP rs1586111516, ClinGen allele CA371662872.
Genomic context (GRCh38, chr8:89,982,725, plus strand): 5'-TATTTTGTGATTTCAACCCCCTTACTGGAAACTAGTGAAATAAAATTAGTAACATACCAG[G>C]TTGGTTACAGAAAAGTTAGCAGTTAACACAGCATGATTTCGGCTGATCGACTGATCATTT-3'
Protein context (NP_002476.2, residues 46-66): AVLTANFSVT[Asn56Lys]LSQTDEIPVL